The following is an entry in ClinVar:

NM_014314.4(RIGI):c.1919T>A (p.Val640Glu)

Gene: RIGI (RNA sensor RIG-I; minus strand). Cytogenetic location: 9p21.1.
Variant type: single nucleotide variant.
Coding change: c.1919T>A on transcript NM_014314.4 (MANE Select); coding-DNA position 1919, T replaced by A.
Protein change: p.Val640Glu; replaces valine 640 with glutamic acid.
Molecular consequence: missense variant.
Genome position (GRCh38, 1-based): chr9:32,476,987, A>T on the plus strand (T>A on the coding strand, the complement: RIGI is on the minus strand). VCF-style: chr9-32476987-A-T. GRCh37 (hg19) VCF-style: chr9-32476985-A-T.
Other names: c.1913T>A, p.Val638Glu (NM_001385907.1); c.1919T>A, p.Val640Glu (NM_001385909.1); c.1478T>A, p.Val493Glu (NM_001385910.1); c.1310T>A, p.Val437Glu (NM_001385912.1); c.1904T>A, p.Val635Glu (NM_001385913.1); c.1475T>A, p.Val492Glu (NM_001385914.1); short protein forms V638E, V640E, V437E, V492E, V635E, V493E.
Identifiers: ClinVar variation 5000063 (VCV005000063.1).

ClinVar aggregate classification (germline): Uncertain significance (1 of 4 stars; one submission).

Conditions:
RIGI-related disorder. Also called: RIGI-related condition.

gnomAD v4.1: 2 of 1,612,844 alleles (0.00012%); highest among the groups gnomAD compares: Middle Eastern, 0.017%; no homozygotes.

Submission:

PreventionGenetics, part of Exact Sciences
Classification: Uncertain significance for RIGI-related condition. Last evaluated: 2024-10-18. Review status: criteria provided, single submitter. Criteria: ACMG Guidelines, 2015. Collection method: clinical testing. Allele origin: germline.
Comment: The RIGI c.1919T>A variant is predicted to result in the amino acid substitution p.Val640Glu. To our knowledge, this variant has not been reported in the literature or in a large population database (gnomAD), indicating this variant is rare. At this time, the clinical significance of this variant is uncertain due to the absence of conclusive functional and genetic evidence.